The following is an entry in ClinVar:

NM_006445.4(PRPF8):c.6872A>G (p.Asn2291Ser)

Gene: PRPF8 (pre-mRNA processing factor 8; minus strand). Cytogenetic location: 17p13.3.
Variant type: single nucleotide variant.
Coding change: c.6872A>G on transcript NM_006445.4 (MANE Select); coding-DNA position 6872, A replaced by G.
Protein change: p.Asn2291Ser; replaces asparagine 2291 with serine.
Molecular consequence: missense variant.
Genome position (GRCh38, 1-based): chr17:1,650,938, T>C on the plus strand (A>G on the coding strand, the complement: PRPF8 is on the minus strand). VCF-style: chr17-1650938-T-C. GRCh37 (hg19) VCF-style: chr17-1554232-T-C.
Other names: short protein forms N2291S.
Identifiers: ClinVar variation 1014902 (VCV001014902.6), dbSNP rs993874202, ClinGen allele CA286849694.

ClinVar aggregate classification (germline): Uncertain significance. Review status: criteria provided, multiple submitters, no conflicts (2 of 4 stars). 2 submissions from 2 submitters: Uncertain significance (2). Last evaluated 2022-03-10.

Allele frequency attached by ClinVar (database versions not stated): gnomAD exomes 0.00001; TOPMed 0.00001.
gnomAD v4.1: 8 of 1,614,164 alleles (0.0005%); highest among the groups gnomAD compares: Admixed American, 0.0033%; no homozygotes.

Submissions (2):

Labcorp Genetics (formerly Invitae), Labcorp
Classification: Uncertain significance. Last evaluated: 2022-03-10. Review status: criteria provided, single submitter. Criteria: Invitae Variant Classification Sherloc (09022015). Collection method: clinical testing. Allele origin: germline.
Comment: ClinVar contains an entry for this variant (Variation ID: 1014902). In summary, the available evidence is currently insufficient to determine the role of this variant in disease. Therefore, it has been classified as a Variant of Uncertain Significance. Algorithms developed to predict the effect of sequence changes on RNA splicing suggest that this variant may create or strengthen a splice site. Algorithms developed to predict the effect of missense changes on protein structure and function (SIFT, PolyPhen-2, Align-GVGD) all suggest that this variant is likely to be tolerated. This variant has not been reported in the literature in individuals affected with PRPF8-related conditions. This variant is present in population databases (no rsID available, gnomAD 0.003%). This sequence change replaces asparagine, which is neutral and polar, with serine, which is neutral and polar, at codon 2291 of the PRPF8 protein (p.Asn2291Ser).

Blueprint Genetics
Classification: Uncertain significance. Last evaluated: 2021-10-13. Review status: criteria provided, single submitter. Criteria: ACMG Guidelines, 2015. Collection method: clinical testing. Allele origin: germline.